The following is an entry in ClinVar:

NM_025179.4(PLXNA2):c.2667G>A (p.Glu889=)

Gene: PLXNA2 (plexin A2; minus strand). Cytogenetic location: 1q32.2.
Variant type: single nucleotide variant.
Coding change: c.2667G>A on transcript NM_025179.4 (MANE Select); coding-DNA position 2667, G replaced by A.
Protein change: p.Glu889=; no amino-acid change (glutamic acid 889 retained).
Molecular consequence: synonymous variant.
Genome position (GRCh38, 1-based): chr1:208,060,757, C>T on the plus strand (G>A on the coding strand, the complement: PLXNA2 is on the minus strand). VCF-style: chr1-208060757-C-T. GRCh37 (hg19) VCF-style: chr1-208234102-C-T.
Identifiers: ClinVar variation 3358078 (VCV003358078.1).

ClinVar aggregate classification (germline): Likely benign (0 of 4 stars; one submission).

Conditions:
PLXNA2-related disorder. Also called: PLXNA2-related condition.

gnomAD v4.1: 39 of 1,614,106 alleles (0.0024%); highest among the groups gnomAD compares: Non-Finnish European, 0.0031%; no homozygotes.

Submission:

PreventionGenetics, part of Exact Sciences
Classification: Likely benign for PLXNA2-related condition. Last evaluated: 2024-03-11. Review status: no assertion criteria provided. Collection method: clinical testing. Allele origin: germline.
Comment: This variant is classified as likely benign based on ACMG/AMP sequence variant interpretation guidelines (Richards et al. 2015 PMID: 25741868, with internal and published modifications).